The following is an entry in ClinVar:

NM_001048174.2(MUTYH):c.1271C>T (p.Thr424Ile)

Gene: MUTYH (mutY DNA glycosylase; minus strand). Cytogenetic location: 1p34.1.
Variant type: single nucleotide variant.
Coding change: c.1271C>T on transcript NM_001048174.2 (MANE Select); coding-DNA position 1271, C replaced by T.
Protein change: p.Thr424Ile; replaces threonine 424 with isoleucine.
Molecular consequence: missense variant. On other transcripts: non-coding transcript variant (2).
Genome position (GRCh38, 1-based): chr1:45,331,303, G>A on the plus strand (C>T on the coding strand, the complement: MUTYH is on the minus strand). VCF-style: chr1-45331303-G-A. GRCh37 (hg19) VCF-style: chr1-45796975-G-A.
Other names: c.1271C>T, p.Thr424Ile (NM_001048171.2, NM_001048173.2, NM_001293195.2); c.1274C>T, p.Thr425Ile (NM_001048172.2); c.1355C>T, p.Thr452Ile (NM_001128425.2); c.1316C>T, p.Thr439Ile (NM_001293190.2); c.1304C>T, p.Thr435Ile (NM_001293191.2); c.995C>T, p.Thr332Ile (NM_001293192.2, NM_001293196.2); c.926C>T, p.Thr309Ile (NM_001350650.2, NM_001350651.2); c.1346C>T, p.Thr449Ile (NM_012222.3); short protein forms T332I, T435I, T309I, T425I, T452I, T439I, T424I, T449I.
Identifiers: ClinVar variation 1436543 (VCV001436543.6), dbSNP rs2149114074, ClinGen allele CA340132743.

ClinVar aggregate classification (germline): Uncertain significance (1 of 4 stars; one submission).

Conditions:
Familial adenomatous polyposis 2. Also called: COLORECTAL ADENOMATOUS POLYPOSIS, AUTOSOMAL RECESSIVE; ADENOMAS, MULTIPLE COLORECTAL, AUTOSOMAL RECESSIVE; MUTYH-associated polyposis; MUTYH Polyposis; Adenomas, multiple colorectal; MUTYH-related attenuated familial adenomatous polyposis. Identifiers: Orphanet 220460, Orphanet 247798, MedGen C3272841, MONDO:0012041, OMIM 608456.

Submission:

Labcorp Genetics (formerly Invitae), Labcorp
Classification: Uncertain significance for Familial adenomatous polyposis 2. Last evaluated: 2024-10-15. Review status: criteria provided, single submitter. Criteria: Invitae Variant Classification Sherloc (09022015). Collection method: clinical testing. Allele origin: germline.
Comment: This sequence change replaces threonine, which is neutral and polar, with isoleucine, which is neutral and non-polar, at codon 452 of the MUTYH protein (p.Thr452Ile). This variant is not present in population databases (gnomAD no frequency). This variant has not been reported in the literature in individuals affected with MUTYH-related conditions. ClinVar contains an entry for this variant (Variation ID: 1436543). An algorithm developed to predict the effect of missense changes on protein structure and function (PolyPhen-2) suggests that this variant is likely to be tolerated. In summary, the available evidence is currently insufficient to determine the role of this variant in disease. Therefore, it has been classified as a Variant of Uncertain Significance.